The following is an entry in ClinVar:

NM_024652.6(LRRK1):c.373G>A (p.Val125Met)

Gene: LRRK1 (leucine rich repeat kinase 1; plus strand). Cytogenetic location: 15q26.3.
Variant type: single nucleotide variant.
Coding change: c.373G>A on transcript NM_024652.6 (MANE Select); coding-DNA position 373, G replaced by A.
Protein change: p.Val125Met; replaces valine 125 with methionine.
Molecular consequence: missense variant.
Genome position (GRCh38, 1-based): chr15:100,983,639, G>A. VCF-style: chr15-100983639-G-A. GRCh37 (hg19) VCF-style: chr15-101523844-G-A.
Other names: short protein forms V125M.
Identifiers: ClinVar variation 1372360 (VCV001372360.6), dbSNP rs753606461, ClinGen allele CA7760546.
Genomic context (GRCh38, chr15:100,983,639, plus strand): 5'-TACCTACTCAGCAAGAGACTGGTGGAGCTGCCCACCGAGCCCACGGATGACAACCCAGCC[G>A]TGGTGGCAGCGTATTTTGGACACACGGCAGTTGTGCAGGAATTGCTTGAGTCCTTACCAG-3'
Protein context (NP_078928.3, residues 115-135): PTEPTDDNPA[Val125Met]VAAYFGHTAV

ClinVar aggregate classification (germline): Uncertain significance (1 of 4 stars; one submission).

Allele frequency attached by ClinVar (database versions not stated): ExAC 0.00002; gnomAD 0.00003 and 0.00004; TOPMed 0.00003.
gnomAD v4.1: 27 of 1,608,846 alleles (0.0017%); highest among the groups gnomAD compares: African/African-American, 0.004%; no homozygotes.

Submission:

Labcorp Genetics (formerly Invitae), Labcorp
Classification: Uncertain significance. Last evaluated: 2021-11-10. Review status: criteria provided, single submitter. Criteria: Invitae Variant Classification Sherloc (09022015). Collection method: clinical testing. Allele origin: germline.
Comment: This sequence change replaces valine, which is neutral and non-polar, with methionine, which is neutral and non-polar, at codon 125 of the LRRK1 protein (p.Val125Met). This variant is present in population databases (rs753606461, gnomAD 0.006%). In summary, the available evidence is currently insufficient to determine the role of this variant in disease. Therefore, it has been classified as a Variant of Uncertain Significance. Algorithms developed to predict the effect of missense changes on protein structure and function are either unavailable or do not agree on the potential impact of this missense change (SIFT: "Tolerated"; PolyPhen-2: "Probably Damaging"; Align-GVGD: "Class C0"). This variant has not been reported in the literature in individuals affected with LRRK1-related conditions.